The following is an entry in ClinVar:

ClinVar aggregate classification (germline): Uncertain significance (1 of 4 stars; one submission).

Conditions:
Distal myopathy with posterior leg and anterior hand involvement. Also called: WILLIAMS DISTAL MYOPATHY. Identifiers: Orphanet 63273, MedGen C3279722, MONDO:0013550, OMIM 614065.
Hypertrophic cardiomyopathy 26. Also called: Cardiomyopathy, familial hypertrophic, 26. Identifiers: Orphanet 75249, MedGen C4310749, MONDO:0014883, OMIM 617047.
Myofibrillar myopathy 5. Also called: Filaminopathy (type); FILAMINOPATHY, AUTOSOMAL DOMINANT. Identifiers: Orphanet 171445, MedGen C1836050, MONDO:0012289, OMIM 609524.

gnomAD v4.1: 1 of 1,613,772 alleles (0.000062%); highest among the groups gnomAD compares: African/African-American, 0.0013%; no homozygotes.

Submission:

Labcorp Genetics (formerly Invitae), Labcorp
Classification: Uncertain significance for Distal myopathy with posterior leg and anterior hand involvement; Myofibrillar myopathy 5; Hypertrophic cardiomyopathy 26. Last evaluated: 2024-03-07. Review status: criteria provided, single submitter. Criteria: Invitae Variant Classification Sherloc (09022015). Collection method: clinical testing. Allele origin: germline.
Comment: This sequence change replaces valine, which is neutral and non-polar, with leucine, which is neutral and non-polar, at codon 1275 of the FLNC protein (p.Val1275Leu). This variant is not present in population databases (gnomAD no frequency). This variant has not been reported in the literature in individuals affected with FLNC-related conditions. Advanced modeling of protein sequence and biophysical properties (such as structural, functional, and spatial information, amino acid conservation, physicochemical variation, residue mobility, and thermodynamic stability) has been performed at Invitae for this missense variant, however the output from this modeling did not meet the statistical confidence thresholds required to predict the impact of this variant on FLNC protein function. In summary, the available evidence is currently insufficient to determine the role of this variant in disease. Therefore, it has been classified as a Variant of Uncertain Significance.

NM_001458.5(FLNC):c.3823G>C (p.Val1275Leu)

Gene: FLNC (filamin C; plus strand). Cytogenetic location: 7q32.1.
Variant type: single nucleotide variant.
Coding change: c.3823G>C on transcript NM_001458.5 (MANE Select); coding-DNA position 3823, G replaced by C.
Protein change: p.Val1275Leu; replaces valine 1275 with leucine.
Molecular consequence: missense variant.
Genome position (GRCh38, 1-based): chr7:128,846,022, G>C. VCF-style: chr7-128846022-G-C. GRCh37 (hg19) VCF-style: chr7-128486076-G-C.
Other names: c.3823G>C, p.Val1275Leu (NM_001127487.2); short protein forms V1275L.
Identifiers: ClinVar variation 3755156 (VCV003755156.2).